The following is an entry in ClinVar:

NM_005883.3(APC2):c.1694_1695del (p.Thr565fs)

Gene: APC2 (APC regulator of Wnt signaling pathway 2; plus strand). Cytogenetic location: 19p13.3.
Variant type: Microsatellite.
Coding change: c.1694_1695del on transcript NM_005883.3 (MANE Select); coding-DNA positions 1694 to 1695, 2 bases deleted (CA; older notation c.1694_1695delCA).
Protein change: p.Thr565fs; shifts the reading frame from threonine 565.
Molecular consequence: frameshift variant.
Genome position (GRCh38, 1-based): chr19:1,462,018-1,462,019, CA deleted; deleting any 2 consecutive bases within chr19:1,462,016-1,462,019 gives the same sequence; the c. name uses the placement nearest the transcript's 3' end. VCF-style (leftmost placement, unchanged base first): chr19-1462015-GCA-G. GRCh37 (hg19) VCF-style: chr19-1462014-GCA-G.
Other names: c.1691_1692del, p.Thr564fs (NM_001351273.1); short protein forms T565fs, T564fs.
Identifiers: ClinVar variation 2972900 (VCV002972900.3), dbSNP rs2512499111, ClinGen allele CA2695227966.

ClinVar aggregate classification (germline): Pathogenic (1 of 4 stars; one submission).

Submission:

Labcorp Genetics (formerly Invitae), Labcorp
Classification: Pathogenic. Last evaluated: 2023-09-06. Review status: criteria provided, single submitter. Criteria: Invitae Variant Classification Sherloc (09022015). Collection method: clinical testing. Allele origin: germline.
Comment: For these reasons, this variant has been classified as Pathogenic. This variant disrupts a region of the APC2 protein in which other variant(s) (p.Leu947Hisfs*88) have been determined to be pathogenic (PMID: 31585108). This suggests that this is a clinically significant region of the protein, and that variants that disrupt it are likely to be disease-causing. Algorithms developed to predict the effect of sequence changes on RNA splicing suggest that this variant may create or strengthen a splice site. This premature translational stop signal has been observed in individual(s) with lissencephaly (PMID: 31585108). This variant is not present in population databases (gnomAD no frequency). This sequence change creates a premature translational stop signal (p.Thr565Argfs*50) in the APC2 gene. While this is not anticipated to result in nonsense mediated decay, it is expected to disrupt the last 1739 amino acid(s) of the APC2 protein.

Literature cited by the submitters: PubMed 31585108.